The following is an entry in ClinVar:

NM_024989.4(PGAP1):c.442C>T (p.His148Tyr)

Gene: PGAP1 (post-GPI attachment to proteins inositol deacylase 1; minus strand). Cytogenetic location: 2q33.1.
Variant type: single nucleotide variant.
Coding change: c.442C>T on transcript NM_024989.4 (MANE Select); coding-DNA position 442, C replaced by T.
Protein change: p.His148Tyr; replaces histidine 148 with tyrosine.
Molecular consequence: missense variant. On other transcripts: 5 prime UTR variant (2).
Genome position (GRCh38, 1-based): chr2:196,916,453, G>A on the plus strand (C>T on the coding strand, the complement: PGAP1 is on the minus strand). VCF-style: chr2-196916453-G-A. GRCh37 (hg19) VCF-style: chr2-197781177-G-A.
Other names: c.-81C>T (NM_001321099.2); c.-670C>T (NM_001321100.2); short protein forms H148Y.
Identifiers: ClinVar variation 1053043 (VCV001053043.9), dbSNP rs1364134988, ClinGen allele CA350180392.

ClinVar aggregate classification (germline): Uncertain significance (1 of 4 stars; one submission).

Conditions:
Intellectual disability, autosomal recessive 42 (NEDDSBA). Also called: Neurodevelopmental disorder with dysmorphic features, spasticity, and brain abnormalities; GLYCOSYLPHOSPHATIDYLINOSITOL BIOSYNTHESIS DEFECT 9. Identifiers: Orphanet 88616, MedGen C4014343, MONDO:0014348, OMIM 615802.

Allele frequency attached by ClinVar (database versions not stated): gnomAD exomes below 0.00001.
gnomAD v4.1: 2 of 1,612,878 alleles (0.00012%); highest among the groups gnomAD compares: South Asian, 0.0011%; no homozygotes.

Submission:

Labcorp Genetics (formerly Invitae), Labcorp
Classification: Uncertain significance for Intellectual disability, autosomal recessive 42. Last evaluated: 2020-07-13. Review status: criteria provided, single submitter. Criteria: Invitae Variant Classification Sherloc (09022015). Collection method: clinical testing. Allele origin: germline.
Comment: In summary, the available evidence is currently insufficient to determine the role of this variant in disease. Therefore, it has been classified as a Variant of Uncertain Significance. Algorithms developed to predict the effect of missense changes on protein structure and function are either unavailable or do not agree on the potential impact of this missense change (SIFT: "Deleterious"; PolyPhen-2: "Probably Damaging"; Align-GVGD: "Class C0"). This variant has not been reported in the literature in individuals with PGAP1-related conditions. This variant is not present in population databases (ExAC no frequency). This sequence change replaces histidine with tyrosine at codon 148 of the PGAP1 protein (p.His148Tyr). The histidine residue is highly conserved and there is a moderate physicochemical difference between histidine and tyrosine.